The following is an entry in ClinVar:

ClinVar aggregate classification (germline): Uncertain significance (1 of 4 stars; one submission).

Conditions:
Baller-Gerold syndrome (BGS). Also called: CRANIOSYNOSTOSIS WITH RADIAL DEFECTS. Identifiers: Orphanet 1225, MedGen C0265308, MONDO:0009039, OMIM 218600.

Submission:

Labcorp Genetics (formerly Invitae), Labcorp
Classification: Uncertain significance for Baller-Gerold syndrome. Last evaluated: 2024-07-23. Review status: criteria provided, single submitter. Criteria: Invitae Variant Classification Sherloc (09022015). Collection method: clinical testing. Allele origin: germline.
Comment: This variant, c.3185_3199dup, results in the insertion of 5 amino acid(s) of the RECQL4 protein (p.Arg1062_Ala1066dup), but otherwise preserves the integrity of the reading frame. This variant is present in population databases (no rsID available, gnomAD 0.003%). This variant has not been reported in the literature in individuals affected with RECQL4-related conditions. ClinVar contains an entry for this variant (Variation ID: 663726). Experimental studies and prediction algorithms are not available or were not evaluated, and the functional significance of this variant is currently unknown. In summary, the available evidence is currently insufficient to determine the role of this variant in disease. Therefore, it has been classified as a Variant of Uncertain Significance.

NM_004260.4(RECQL4):c.3185_3199dup (p.Arg1062_Ala1066dup)

Gene: RECQL4 (RecQ like helicase 4; minus strand). Cytogenetic location: 8q24.3.
Variant type: Duplication.
Coding change: c.3185_3199dup on transcript NM_004260.4 (MANE Select); coding-DNA positions 3185 to 3199, 15 bases duplicated (GGGAGCGCCAGGCCC).
Protein change: p.Arg1062_Ala1066dup.
Molecular consequence: inframe insertion.
Genome position (GRCh38, 1-based): chr8:144,512,181-144,512,195, GGGCCTGGCGCTCCC duplicated on the plus strand (GGGAGCGCCAGGCCC on the coding strand, the reverse complement: RECQL4 is on the minus strand); duplicating any 15 consecutive bases within chr8:144,512,181-144,512,202 gives the same sequence; the c. name uses the placement nearest the transcript's 3' end. VCF-style (leftmost placement, unchanged base first): chr8-144512180-A-AGGGCCTGGCGCTCCC. GRCh37 (hg19) VCF-style: chr8-145737563-A-AGGGCCTGGCGCTCCC.
Identifiers: ClinVar variation 663726 (VCV000663726.7), dbSNP rs1564789441, ClinGen allele CA586165227.